The following is an entry in ClinVar:

NM_001130965.3(SUN1):c.251A>G (p.Lys84Arg)

Gene: SUN1 (Sad1 and UNC84 domain containing 1; plus strand). Cytogenetic location: 7p22.3.
Variant type: single nucleotide variant.
Coding change: c.251A>G on transcript NM_001130965.3 (MANE Select); coding-DNA position 251, A replaced by G.
Protein change: p.Lys84Arg; replaces lysine 84 with arginine.
Molecular consequence: missense variant. On other transcripts: 5 prime UTR variant (2), non-coding transcript variant (3), intron variant (2).
Genome position (GRCh38, 1-based): chr7:838,971, A>G. VCF-style: chr7-838971-A-G. GRCh37 (hg19) VCF-style: chr7-878608-A-G.
Other names: c.251A>G, p.Lys84Arg (NM_001367642.1, NM_001367643.1, NM_001367653.1 and 34 more transcripts); c.101A>G, p.Lys34Arg (NM_001367644.1, NM_001367645.1, NM_001367646.1 and 25 more transcripts); c.470A>G, p.Lys157Arg (NM_001367651.1); c.-511A>G (NM_001367658.1); c.78-2975A>G (NM_001367695.1); c.-301-2975A>G (NM_001367639.1); c.251A>G (NM_001130965.2); c.314A>G, p.Lys105Arg (NM_001171945.2); and 1 more; short protein forms K34R, K105R, K157R, K84R.
Identifiers: ClinVar variation 2956297 (VCV002956297.4), dbSNP rs1806257586, ClinGen allele CA366545233.

ClinVar aggregate classification (germline): Uncertain significance. Review status: criteria provided, multiple submitters, no conflicts (2 of 4 stars). 2 submissions from 2 submitters: Uncertain significance (2). Last evaluated 2024-12-20.

Conditions:
Emery-Dreifuss muscular dystrophy (EDMD). Also called: Scapuloperoneal syndrome, X-linked (formerly); Humeroperoneal neuromuscular disease, (formerly). Identifiers: Orphanet 261, MedGen C0410189, MONDO:0016830.

Allele frequency attached by ClinVar (database versions not stated): TOPMed below 0.00001; gnomAD 0.00001.
gnomAD v4.1: 1 of 1,592,282 alleles (0.000063%); highest among the groups gnomAD compares: Admixed American, 0.0018%; no homozygotes.

Submissions (2):

Ambry Genetics
Classification: Uncertain significance. Last evaluated: 2024-12-20. Review status: criteria provided, single submitter. Criteria: Ambry Variant Classification Scheme 2023. Collection method: clinical testing. Allele origin: germline.

Labcorp Genetics (formerly Invitae), Labcorp
Classification: Uncertain significance for Emery-Dreifuss muscular dystrophy. Last evaluated: 2023-05-09. Review status: criteria provided, single submitter. Criteria: Invitae Variant Classification Sherloc (09022015). Collection method: clinical testing. Allele origin: germline.
Comment: This variant has not been reported in the literature in individuals affected with SUN1-related conditions. In summary, the available evidence is currently insufficient to determine the role of this variant in disease. Therefore, it has been classified as a Variant of Uncertain Significance. Algorithms developed to predict the effect of missense changes on protein structure and function output the following: SIFT: "Not Available"; PolyPhen-2: "Benign"; Align-GVGD: "Not Available". The arginine amino acid residue is found in multiple mammalian species, which suggests that this missense change does not adversely affect protein function. This variant is not present in population databases (gnomAD no frequency). This sequence change replaces lysine, which is basic and polar, with arginine, which is basic and polar, at codon 84 of the SUN1 protein (p.Lys84Arg).